The following is an entry in ClinVar:

NM_004415.4(DSP):c.5417C>G (p.Thr1806Ser)

Gene: DSP (desmoplakin; plus strand). Cytogenetic location: 6p24.3.
Variant type: single nucleotide variant.
Coding change: c.5417C>G on transcript NM_004415.4 (MANE Select); coding-DNA position 5417, C replaced by G.
Protein change: p.Thr1806Ser; replaces threonine 1806 with serine.
Molecular consequence: missense variant.
Genome position (GRCh38, 1-based): chr6:7,582,679, C>G. VCF-style: chr6-7582679-C-G. GRCh37 (hg19) VCF-style: chr6-7582912-C-G.
Other names: c.3620C>G, p.Thr1207Ser (NM_001008844.3); c.4088C>G, p.Thr1363Ser (NM_001319034.2); c.5417C>G (NM_004415.3); short protein forms T1806S, T1363S, T1207S.
Identifiers: ClinVar variation 227344 (VCV000227344.20), dbSNP rs149773722, ClinGen allele CA045024.
Genomic context (GRCh38, chr6:7,582,679, plus strand): 5'-ATTTCTTTCTTCTTCAATTCCAGGCATCTAATAGGATTCAGGAATCAAAGAATCAGTGTA[C>G]TCAGGTGGTACAGGAAAGAGAGAGCCTTCTGGTGAAAATCAAAGTCCTGGAGCAAGACAA-3'
Protein context (NP_004406.2, residues 1796-1816): NRIQESKNQC[Thr1806Ser]QVVQERESLL

ClinVar aggregate classification (germline): Conflicting classifications of pathogenicity. Review status: criteria provided, conflicting classifications (1 of 4 stars). 7 submissions from 7 submitters: Uncertain significance (4); Benign (1); Likely benign (2). Last evaluated 2025-11-13.

Conditions:
DSP-related disorder. Also called: DSP-related condition; DSP-related disorders.
Cardiovascular phenotype. Identifiers: MedGen CN230736.
Arrhythmogenic right ventricular dysplasia 8 (ARVD8). Also called: Arrhythmogenic Right Ventricular Dysplasia/Cardiomyopathy 8; ARRHYTHMOGENIC RIGHT VENTRICULAR DYSPLASIA, FAMILIAL, 8; ARRHYTHMOGENIC RIGHT VENTRICULAR CARDIOMYOPATHY 8. Identifiers: MedGen C1843896, MONDO:0011831, OMIM 607450.
Arrhythmogenic cardiomyopathy with wooly hair and keratoderma. Also called: Carvajal syndrome; Dilated cardiomyopathy with woolly hair and keratoderma; Arrhythmogenic cardiomyopathy with woolly hair and keratoderma; PALMOPLANTAR KERATODERMA WITH LEFT VENTRICULAR CARDIOMYOPATHY AND WOOLLY HAIR. Identifiers: Orphanet 65282, MedGen C1854063, MONDO:0011581, OMIM 605676.

Allele frequency attached by ClinVar (database versions not stated): ExAC 0.00002; gnomAD exomes 0.00002; gnomAD 0.00005 and 0.00006; TOPMed 0.00006; ESP Exome Variant Server 0.00008.
gnomAD v4.1: 17 of 1,613,620 alleles (0.0011%); highest among the groups gnomAD compares: African/African-American, 0.011%; no homozygotes.

Submissions (7):

Labcorp Genetics (formerly Invitae), Labcorp
Classification: Benign for Arrhythmogenic cardiomyopathy with wooly hair and keratoderma; Arrhythmogenic right ventricular dysplasia 8. Last evaluated: 2025-11-13. Review status: criteria provided, single submitter. Criteria: Invitae Variant Classification Sherloc (09022015). Collection method: clinical testing. Allele origin: germline.

PreventionGenetics, part of Exact Sciences
Classification: Uncertain significance for DSP-related condition. Last evaluated: 2025-03-26. Review status: criteria provided, single submitter. Criteria: ACMG Guidelines, 2015. Collection method: clinical testing. Allele origin: germline.
Comment: The DSP c.5417C>G variant is predicted to result in the amino acid substitution p.Thr1806Ser. To our knowledge, this variant has not been reported in the literature. This variant is reported in 0.016% of alleles in individuals of African descent in gnomAD and has conflicting interpretations regarding its pathogenicity in ClinVar, ranging from benign to uncertain. At this time, the clinical significance of this variant is uncertain due to the absence of conclusive functional and genetic evidence.

All of Us Research Program, National Institutes of Health
Classification: Uncertain significance for Arrhythmogenic cardiomyopathy with wooly hair and keratoderma. Last evaluated: 2023-12-18. Review status: criteria provided, single submitter. Criteria: ACMG Guidelines, 2015. Collection method: clinical testing. Allele origin: germline. Inheritance: Autosomal dominant inheritance. Observed: 1 variant allele, 1 heterozygote.
Comment: This missense variant replaces threonine with serine at codon 1806 of the DSP protein. Computational prediction suggests that this variant may not impact protein structure and function (internally defined REVEL score threshold <= 0.5, PMID: 27666373). To our knowledge, functional studies have not been reported for this variant. This variant has not been reported in individuals affected with cardiovascular disorders in the literature. This variant has been identified in 6/282546 chromosomes in the general population by the Genome Aggregation Database (gnomAD). The available evidence is insufficient to determine the role of this variant in disease conclusively. Therefore, this variant is classified as a Variant of Uncertain Significance.

This study involves interpretation of variants in research participants for the purpose of population health screening. Participant phenotype was not available at the time of variant classification. Additional details can be found in publication PMID: 35346344, PMCID: PMC8962531

Blueprint Genetics
Classification: Likely benign. Last evaluated: 2021-10-19. Review status: criteria provided, single submitter. Criteria: ACMG Guidelines, 2015. Collection method: clinical testing. Allele origin: germline.

GeneDx
Classification: Uncertain significance. Last evaluated: 2021-05-04. Review status: criteria provided, single submitter. Criteria: GeneDx Variant Classification Process June 2021. Collection method: clinical testing. Allele origin: germline. Affected: yes.
Comment: Has not been previously published as pathogenic or benign to our knowledge; In silico analysis supports that this missense variant does not alter protein structure/function

Ambry Genetics
Classification: Uncertain significance for Cardiovascular phenotype. Last evaluated: 2020-02-02. Review status: criteria provided, single submitter. Criteria: Ambry Variant Classification Scheme 2023. Collection method: clinical testing. Allele origin: germline.
Comment: The p.T1806S variant (also known as c.5417C>G), located in coding exon 24 of the DSP gene, results from a C to G substitution at nucleotide position 5417. The threonine at codon 1806 is replaced by serine, an amino acid with similar properties. This amino acid position is not well conserved in available vertebrate species, and serine is the reference amino acid in other vertebrate species. In addition, this alteration is predicted to be tolerated by in silico analysis. Since supporting evidence is limited at this time, the clinical significance of this alteration remains unclear.

Laboratory for Molecular Medicine, Mass General Brigham Personalized Medicine
Classification: Likely benign. Last evaluated: 2015-06-10. Review status: criteria provided, single submitter. Criteria: LMM Criteria. Collection method: clinical testing. Allele origin: germline. Observed: 1 variant allele.
Comment: p.Thr1806Ser in exon 24 of DSP: This variant is not expected to have clinical si gnificance due to a lack of conservation across species, including mammals. Of n ote, 4 mammals (dolphin, shrew, opossum, wallaby) and >15 birds, reptiles, and f ish have a serine (Ser) at this position despite high nearby amino acid conserva tion. It has also been identified in 2/10348 African chromosomes by the Exome Ag gregation Consortium (ExAC; dbSNP rs149773722).